The following is an entry in ClinVar:

ClinVar aggregate classification (germline): Uncertain significance. Review status: criteria provided, multiple submitters, no conflicts (2 of 4 stars). 2 submissions from 2 submitters: Uncertain significance (2). Last evaluated 2025-05-19.

Conditions:
Inborn genetic diseases. Identifiers: MedGen C0950123, MeSH D030342.

Allele frequency attached by ClinVar (database versions not stated): gnomAD exomes 0.00001 and 0.00004; ExAC 0.00004; 1000 Genomes Project 30x 0.00016; gnomAD 0.00003; TOPMed 0.00002; 1000 Genomes Project 0.00020.
gnomAD v4.1: 33 of 1,613,802 alleles (0.002%); highest among the groups gnomAD compares: East Asian, 0.033%; no homozygotes.

Submissions (2):

Ambry Genetics
Classification: Uncertain significance for Inborn genetic diseases. Last evaluated: 2025-05-19. Review status: criteria provided, single submitter. Criteria: Ambry Variant Classification Scheme 2023. Collection method: clinical testing. Allele origin: germline.

Labcorp Genetics (formerly Invitae), Labcorp
Classification: Uncertain significance. Last evaluated: 2021-08-09. Review status: criteria provided, single submitter. Criteria: Invitae Variant Classification Sherloc (09022015). Collection method: clinical testing. Allele origin: germline.
Comment: In summary, the available evidence is currently insufficient to determine the role of this variant in disease. Therefore, it has been classified as a Variant of Uncertain Significance. Algorithms developed to predict the effect of missense changes on protein structure and function (SIFT, PolyPhen-2, Align-GVGD) all suggest that this variant is likely to be disruptive, but these predictions have not been confirmed by published functional studies and their clinical significance is uncertain. This variant has not been reported in the literature in individuals with ALDH6A1-related disease. This variant is present in population databases (rs545522891, ExAC 0.05%). This sequence change replaces glutamic acid with alanine at codon 338 of the ALDH6A1 protein (p.Glu338Ala). The glutamic acid residue is highly conserved and there is a moderate physicochemical difference between glutamic acid and alanine.

NM_005589.4(ALDH6A1):c.1013A>C (p.Glu338Ala)

Genes: ALDH6A1 (aldehyde dehydrogenase 6 family member A1; minus strand), BBOF1 (basal body orientation factor 1; plus strand). Cytogenetic location: 14q24.3.
Variant type: single nucleotide variant.
Coding change: c.1013A>C on transcript NM_005589.4 (MANE Select); coding-DNA position 1013, A replaced by C.
Protein change: p.Glu338Ala; replaces glutamic acid 338 with alanine.
Molecular consequence: missense variant.
Genome position (GRCh38, 1-based): chr14:74,067,409, T>G on the plus strand (A>C on the coding strand, the complement: ALDH6A1 is on the minus strand). VCF-style: chr14-74067409-T-G. GRCh37 (hg19) VCF-style: chr14-74534112-T-G.
Other names: c.974A>C, p.Glu325Ala (NM_001278593.2); c.551A>C, p.Glu184Ala (NM_001278594.2); c.1013A>C (NM_005589.2); short protein forms E325A, E338A, E184A.
Identifiers: ClinVar variation 1443224 (VCV001443224.8), dbSNP rs545522891, ClinGen allele CA7265706.